The following is an entry in ClinVar:

NM_001382567.1(STIM1):c.861C>T (p.Arg287=)

Gene: STIM1 (stromal interaction molecule 1; plus strand). Cytogenetic location: 11p15.4.
Variant type: single nucleotide variant.
Coding change: c.861C>T on transcript NM_001382567.1 (MANE Select); coding-DNA position 861, C replaced by T.
Protein change: p.Arg287=; no amino-acid change (arginine 287 retained).
Molecular consequence: synonymous variant.
Genome position (GRCh38, 1-based): chr11:4,074,571, C>T. VCF-style: chr11-4074571-C-T. GRCh37 (hg19) VCF-style: chr11-4095801-C-T.
Other names: p.Arg287=; c.861C>T, p.Arg287= (NM_001277961.3, NM_001277962.2, NM_001382568.1 and 2 more transcripts); c.639C>T, p.Arg213= (NM_001382566.1, NM_001382573.1, NM_001382574.1 and 5 more transcripts); c.726C>T, p.Arg242= (NM_001382569.1); c.633C>T, p.Arg211= (NM_001382570.1); c.381C>T, p.Arg127= (NM_001382571.1); c.372C>T, p.Arg124= (NM_001382580.1, NM_001382581.1).
Identifiers: ClinVar variation 461738 (VCV000461738.16), dbSNP rs16929446, ClinGen allele CA5830346.

ClinVar aggregate classification (germline): Benign/Likely benign. Review status: criteria provided, multiple submitters, no conflicts (2 of 4 stars). 3 submissions from 3 submitters: Benign (2); Likely benign (1). Last evaluated 2026-01-13.

Conditions:
Myopathy with tubular aggregates (TAM). Also called: Tubular Aggregate Myopathy. Identifiers: Orphanet 2593, MedGen C0410207, MONDO:0008051.
Combined immunodeficiency due to STIM1 deficiency. Also called: IMMUNODEFICIENCY 10; STIM1 DEFICIENCY. Identifiers: Orphanet 169090, Orphanet 317430, MedGen C2748557, MONDO:0013008, OMIM 612783.
Stormorken syndrome (STRMK). Also called: THROMBOCYTOPATHY, ASPLENIA, AND MIOSIS. Identifiers: Orphanet 3204, MedGen C1861451, MONDO:0008497, OMIM 185070.

Allele frequency attached by ClinVar (database versions not stated): gnomAD exomes 0.00148; ExAC 0.00194; gnomAD 0.00503 and 0.00556; TOPMed 0.00599; ESP Exome Variant Server 0.00646; 1000 Genomes Project 0.00659; 1000 Genomes Project 30x 0.00687.
gnomAD v4.1: 1,509 of 1,614,014 alleles (0.093%); highest among the groups gnomAD compares: African/African-American, 1.8%; 15 homozygotes.

Submissions (3):

Labcorp Genetics (formerly Invitae), Labcorp
Classification: Benign for Myopathy with tubular aggregates; Combined immunodeficiency due to STIM1 deficiency; Stormorken syndrome. Last evaluated: 2026-01-13. Review status: criteria provided, single submitter. Criteria: Invitae Variant Classification Sherloc (09022015). Collection method: clinical testing. Allele origin: germline.

Mayo Clinic Laboratories, Mayo Clinic
Classification: Benign. Last evaluated: 2023-10-26. Review status: criteria provided, single submitter. Criteria: ACMG Guidelines, 2015. Collection method: clinical testing. Allele origin: germline. Observed: 26 variant alleles.
Comment: BS1, BS2_moderate, BP4, BP7

GeneDx
Classification: Likely benign. Last evaluated: 2021-04-15. Review status: criteria provided, single submitter. Criteria: GeneDx Variant Classification Process June 2021. Collection method: clinical testing. Allele origin: germline. Affected: yes.